The following is an entry in ClinVar:

NM_001348323.3(TRIP12):c.97A>G (p.Arg33Gly)

Gene: TRIP12 (thyroid hormone receptor interactor 12; minus strand). Cytogenetic location: 2q36.3.
Variant type: single nucleotide variant.
Coding change: c.97A>G on transcript NM_001348323.3 (MANE Select); coding-DNA position 97, A replaced by G.
Protein change: p.Arg33Gly; replaces arginine 33 with glycine.
Molecular consequence: missense variant.
Genome position (GRCh38, 1-based): chr2:229,879,983, T>C on the plus strand (A>G on the coding strand, the complement: TRIP12 is on the minus strand). VCF-style: chr2-229879983-T-C. GRCh37 (hg19) VCF-style: chr2-230744699-T-C.
Other names: c.97A>G, p.Arg33Gly (NM_001284214.2, NM_001284215.2, NM_001348315.2 and 21 more transcripts); c.97A>G, p.Ser33Gly (NM_001284216.2); short protein forms S33G, R33G.
Identifiers: ClinVar variation 2223413 (VCV002223413.3), dbSNP rs1361492943, ClinGen allele CA350909031.

ClinVar aggregate classification (germline): Uncertain significance. Review status: criteria provided, multiple submitters, no conflicts (2 of 4 stars). 2 submissions from 2 submitters: Uncertain significance (2). Last evaluated 2023-02-06.

Conditions:
Inborn genetic diseases. Identifiers: MedGen C0950123, MeSH D030342.

Allele frequency attached by ClinVar (database versions not stated): TOPMed below 0.00001; gnomAD exomes 0.00001.

Submissions (2):

Greenwood Genetic Center Diagnostic Laboratories, Greenwood Genetic Center
Classification: Uncertain significance. Last evaluated: 2023-02-06. Review status: criteria provided, single submitter. Criteria: ACMG Guidelines, 2015. Collection method: clinical testing. Allele origin: germline. Affected: yes.
Comment: PM2, PP2, PP3

Ambry Genetics
Classification: Uncertain significance for Inborn genetic diseases. Last evaluated: 2022-08-26. Review status: criteria provided, single submitter. Criteria: Ambry Variant Classification Scheme 2023. Collection method: clinical testing. Allele origin: germline.